The following is an entry in ClinVar:

ClinVar aggregate classification (germline): Uncertain significance (0 of 4 stars; one submission).

Allele frequency attached by ClinVar (database versions not stated): gnomAD exomes below 0.00001 and 0.00002; ExAC 0.00001; gnomAD 0.00001; TOPMed 0.00001; ESP Exome Variant Server 0.00008.
gnomAD v4.1: 25 of 1,608,672 alleles (0.0016%); highest among the groups gnomAD compares: Non-Finnish European, 0.0021%; no homozygotes.

Submission:

Department of Pathology and Laboratory Medicine, Sinai Health System
Classification: Uncertain significance. Review status: no assertion criteria provided. Collection method: clinical testing. Allele origin: unknown. Affected: yes. Study: The Canadian Open Genetics Repository (COGR).
Comment: The HMMR p.Glu360Asp variant was not identified in the literature nor was it identified in ClinVar or LOVD 3.0. The variant was identified in the dbSNP (ID: rs145430537) and Cosmic (identified in a skin tissue sample, malignant melanoma, confirmed somatic). The variant was identified in control databases in 1 of 250688 chromosomes at a frequency of 0.000004 (Genome Aggregation Database Feb 27, 2017). The variant was observed in the European (non-Finnish) population in 1 of 113422 chromosomes (freq: 0.000009); it was not observed in the African, Latino, Ashkenazi Jewish, East Asian, European (Finnish), Other, and South Asian populations. The p.Glu360 residue is not conserved in mammals and four out of five computational analyses (SIFT, AlignGVGD, BLOSUM, MutationTaster) do not suggest a high likelihood of impact to the protein; however, this information is not predictive enough to rule out pathogenicity. The variant occurs outside of the splicing consensus sequence and in silico or computational prediction software programs (SpliceSiteFinder, MaxEntScan, NNSPLICE, GeneSplicer) do not predict a difference in splicing at the variant location. In summary, based on the above information the clinical significance of this variant cannot be determined with certainty at this time. This variant is classified as a variant of uncertain significance.

NM_001142556.2(HMMR):c.1128G>C (p.Glu376Asp)

Gene: HMMR (hyaluronan mediated motility receptor; plus strand). Cytogenetic location: 5q34.
Variant type: single nucleotide variant.
Coding change: c.1128G>C on transcript NM_001142556.2 (MANE Select); coding-DNA position 1128, G replaced by C.
Protein change: p.Glu376Asp; replaces glutamic acid 376 with aspartic acid.
Molecular consequence: missense variant.
Genome position (GRCh38, 1-based): chr5:163,475,532, G>C. VCF-style: chr5-163475532-G-C. GRCh37 (hg19) VCF-style: chr5-162902538-G-C.
Other names: c.867G>C, p.Glu289Asp (NM_001142557.2); c.1125G>C, p.Glu375Asp (NM_012484.3); c.1080G>C, p.Glu360Asp (NM_012485.3); short protein forms E289D, E360D, E375D, E376D.
Identifiers: ClinVar variation 1050123 (VCV001050123.1), dbSNP rs145430537, ClinGen allele CA3545813.
Genomic context (GRCh38, chr5:163,475,532, plus strand): 5'-TCTTCATCAGAAGCTCTGTTCTTTTCAAGAGGAAATGGTTAAAGAGAAGAATCTGTTTGA[G>C]GAAGAATTAAAGCAAACACTGGATGAGCTTGATAAATTACAGCAAAAGGAGGAACAAGCT-3'
Protein context (NP_001136028.1, residues 366-386): EEMVKEKNLF[Glu376Asp]EELKQTLDEL